The following is an entry in ClinVar:

NM_006231.4(POLE):c.1578G>C (p.Lys526Asn)

Gene: POLE (DNA polymerase epsilon, catalytic subunit; minus strand). Cytogenetic location: 12q24.33.
Variant type: single nucleotide variant.
Coding change: c.1578G>C on transcript NM_006231.4 (MANE Select); coding-DNA position 1578, G replaced by C.
Protein change: p.Lys526Asn; replaces lysine 526 with asparagine.
Molecular consequence: missense variant.
Genome position (GRCh38, 1-based): chr12:132,672,735, C>G on the plus strand (G>C on the coding strand, the complement: POLE is on the minus strand). VCF-style: chr12-132672735-C-G. GRCh37 (hg19) VCF-style: chr12-133249321-C-G.
Other names: short protein forms K526N.
Identifiers: ClinVar variation 1775627 (VCV001775627.2), dbSNP rs757867565, ClinGen allele CA387356955.
Genomic context (GRCh38, chr12:132,672,735, plus strand): 5'-GGCCTCCACGTGGCCCCCGACGTAGGTCTCAGAGTCCAGCACGTGTCCGTCGTCCGTCAG[C>G]TTATTGAACTCCTGCTCTTGCTTGTTGGGGAAGATGATGTTGGCGTGGAAGGCCTGCACC-3'
Protein context (NP_006222.2, residues 516-536): FPNKQEQEFN[Lys526Asn]LTDDGHVLDS

ClinVar aggregate classification (germline): Uncertain significance (1 of 4 stars; one submission).

Conditions:
Hereditary cancer-predisposing syndrome. Also called: Neoplastic Syndromes, Hereditary; Tumor predisposition; Hereditary Cancer Syndrome; Hereditary neoplastic syndrome. Identifiers: Orphanet 140162, MedGen C0027672, MeSH D009386, MONDO:0015356.

Submission:

Ambry Genetics
Classification: Uncertain significance for Hereditary cancer-predisposing syndrome. Last evaluated: 2021-08-08. Review status: criteria provided, single submitter. Criteria: Ambry Variant Classification Scheme 2023. Collection method: clinical testing. Allele origin: germline.
Comment: The p.K526N variant (also known as c.1578G>C), located in coding exon 15 of the POLE gene, results from a G to C substitution at nucleotide position 1578. The lysine at codon 526 is replaced by asparagine, an amino acid with similar properties. This amino acid position is conserved. In addition, this alteration is predicted to be tolerated by in silico analysis. Since supporting evidence is limited at this time, the clinical significance of this alteration remains unclear.